The following is an entry in ClinVar:

ClinVar aggregate classification (germline): Conflicting classifications of pathogenicity. Review status: criteria provided, conflicting classifications (1 of 4 stars). 3 submissions from 3 submitters: Uncertain significance (1); Benign (1); Likely benign (1). Last evaluated 2024-01-30.

Conditions:
Peters plus syndrome. Also called: KRAUSE-KIVLIN SYNDROME. Identifiers: Orphanet 709, MedGen C0796012, MONDO:0009856, OMIM 261540.
Holoprosencephaly sequence (HPE). Also called: Holoprosencephaly. Identifiers: Orphanet 2162, MedGen C0079541, MONDO:0016296, HP:0001360.

Allele frequency attached by ClinVar (database versions not stated): gnomAD 0.00003 and 0.00006; TOPMed 0.00003; gnomAD exomes 0.00010 and 0.00014; ExAC 0.00043.
gnomAD v4.1: 151 of 1,547,896 alleles (0.0098%); highest among the groups gnomAD compares: South Asian, 0.085%; no homozygotes.

Submissions (3):

Labcorp Genetics (formerly Invitae), Labcorp
Classification: Likely benign. Last evaluated: 2024-01-30. Review status: criteria provided, single submitter. Criteria: Invitae Variant Classification Sherloc (09022015). Collection method: clinical testing. Allele origin: germline.

Genomic Medicine Lab, University of California San Francisco
Classification: Uncertain significance for Peters plus syndrome. Last evaluated: 2018-05-24. Review status: criteria provided, single submitter. Criteria: ACMG Guidelines, 2015. Collection method: clinical testing. Allele origin: unknown. Inheritance: Autosomal dominant inheritance. Study: CSER.

Muenke lab, National Institutes of Health
Classification: Benign for Holoprosencephaly sequence. Last evaluated: 2018-04-20. Review status: criteria provided, single submitter. Criteria: Submitter's publication. Collection method: research. Allele origin: not applicable. Inheritance: Autosomal dominant inheritance.
Comment: Compatible clinical findings, but predicted to be benign on the basis of experimental data and ACMG criteria:BS3/BS1;BP4. Six unrelated detections in ExAC exceeds the birth incidence of Holopresencephaly (1:10,1000 to 1:20,000).

NM_033163.5(FGF8):c.130C>T (p.Arg44Trp)

Gene: FGF8 (fibroblast growth factor 8; minus strand). Cytogenetic location: 10q24.32.
Variant type: single nucleotide variant.
Coding change: c.130C>T on transcript NM_033163.5 (MANE Select); coding-DNA position 130, C replaced by T.
Protein change: p.Arg44Trp; replaces arginine 44 with tryptophan.
Molecular consequence: missense variant. On other transcripts: intron variant (3).
Genome position (GRCh38, 1-based): chr10:101,775,156, G>A on the plus strand (C>T on the coding strand, the complement: FGF8 is on the minus strand). VCF-style: chr10-101775156-G-A. GRCh37 (hg19) VCF-style: chr10-103534913-G-A.
Other names: c.130C>T, p.Arg44Trp (NM_033164.4); c.-123-277C>T (NM_001206389.2); c.70-277C>T (NM_033165.5); c.70-244C>T (NM_006119.6); short protein forms R44W.
Identifiers: ClinVar variation 545461 (VCV000545461.7), dbSNP rs781205876, ClinGen allele CA5657679.